The following is an entry in ClinVar:

ClinVar aggregate classification (germline): Uncertain significance (1 of 4 stars; one submission).

Conditions:
Focal segmental glomerulosclerosis 5 (FSGS5). Identifiers: Orphanet 656, MedGen C2750475, MONDO:0013191, OMIM 613237.
Charcot-Marie-Tooth disease dominant intermediate E. Also called: CHARCOT-MARIE-TOOTH NEUROPATHY WITH FOCAL SEGMENTAL GLOMERULONEPHRITIS. Identifiers: Orphanet 93114, MedGen C4302667, MONDO:0013758, OMIM 614455.

Submission:

Labcorp Genetics (formerly Invitae), Labcorp
Classification: Uncertain significance for Charcot-Marie-Tooth disease dominant intermediate E; Focal segmental glomerulosclerosis 5. Last evaluated: 2024-08-27. Review status: criteria provided, single submitter. Criteria: Invitae Variant Classification Sherloc (09022015). Collection method: clinical testing. Allele origin: germline.
Comment: This sequence change replaces leucine, which is neutral and non-polar, with proline, which is neutral and non-polar, at codon 463 of the INF2 protein (p.Leu463Pro). The frequency data for this variant in the population databases is considered unreliable, as metrics indicate poor data quality at this position in the gnomAD database. This variant has not been reported in the literature in individuals affected with INF2-related conditions. Invitae Evidence Modeling of protein sequence and biophysical properties (such as structural, functional, and spatial information, amino acid conservation, physicochemical variation, residue mobility, and thermodynamic stability) indicates that this missense variant is not expected to disrupt INF2 protein function with a negative predictive value of 95%. In summary, the available evidence is currently insufficient to determine the role of this variant in disease. Therefore, it has been classified as a Variant of Uncertain Significance.

NM_022489.4(INF2):c.1388T>C (p.Leu463Pro)

Gene: INF2 (inverted formin 2; plus strand). Cytogenetic location: 14q32.33.
Variant type: single nucleotide variant.
Coding change: c.1388T>C on transcript NM_022489.4 (MANE Select); coding-DNA position 1388, T replaced by C.
Protein change: p.Leu463Pro; replaces leucine 463 with proline.
Molecular consequence: missense variant. On other transcripts: non-coding transcript variant (1).
Genome position (GRCh38, 1-based): chr14:104,707,655, T>C. VCF-style: chr14-104707655-T-C. GRCh37 (hg19) VCF-style: chr14-105173992-T-C.
Other names: c.1388T>C, p.Leu463Pro (NM_001031714.4, NM_001426862.1, NM_001426863.1 and 2 more transcripts); short protein forms L463P.
Identifiers: ClinVar variation 3758812 (VCV003758812.2).